The following is an entry in ClinVar:

ClinVar aggregate classification (germline): Uncertain significance. Review status: criteria provided, multiple submitters, no conflicts (2 of 4 stars). 2 submissions from 2 submitters: Uncertain significance (2). Last evaluated 2025-04-21.

Allele frequency attached by ClinVar (database versions not stated): gnomAD 0.00003; TOPMed 0.00003; ESP Exome Variant Server 0.00008; ExAC 0.00012.
gnomAD v4.1: 149 of 1,582,978 alleles (0.0094%); highest among the groups gnomAD compares: Non-Finnish European, 0.012%; no homozygotes.

Submissions (2):

Ambry Genetics
Classification: Uncertain significance. Last evaluated: 2025-04-21. Review status: criteria provided, single submitter. Criteria: Ambry Variant Classification Scheme 2023. Collection method: clinical testing. Allele origin: germline.

Labcorp Genetics (formerly Invitae), Labcorp
Classification: Uncertain significance. Last evaluated: 2023-08-25. Review status: criteria provided, single submitter. Criteria: Invitae Variant Classification Sherloc (09022015). Collection method: clinical testing. Allele origin: germline.
Comment: An algorithm developed to predict the effect of missense changes on protein structure and function (PolyPhen-2) suggests that this variant is likely to be tolerated. This sequence change replaces methionine, which is neutral and non-polar, with leucine, which is neutral and non-polar, at codon 370 of the DSCAML1 protein (p.Met370Leu). This variant is present in population databases (rs376290986, gnomAD 0.01%). This variant has not been reported in the literature in individuals affected with DSCAML1-related conditions. In summary, the available evidence is currently insufficient to determine the role of this variant in disease. Therefore, it has been classified as a Variant of Uncertain Significance.

NM_020693.4(DSCAML1):c.928A>T (p.Met310Leu)

Gene: DSCAML1 (DS cell adhesion molecule like 1; minus strand). Cytogenetic location: 11q23.3.
Variant type: single nucleotide variant.
Coding change: c.928A>T on transcript NM_020693.4 (MANE Select); coding-DNA position 928, A replaced by T.
Protein change: p.Met310Leu; replaces methionine 310 with leucine.
Molecular consequence: missense variant.
Genome position (GRCh38, 1-based): chr11:117,524,814, T>A on the plus strand (A>T on the coding strand, the complement: DSCAML1 is on the minus strand). VCF-style: chr11-117524814-T-A. GRCh37 (hg19) VCF-style: chr11-117395529-T-A.
Other names: c.928A>T, p.Met310Leu (NM_001367904.1); c.520A>T, p.Met174Leu (NM_001367905.1); c.1108A>T (NM_020693.2); short protein forms M310L, M174L.
Identifiers: ClinVar variation 3022485 (VCV003022485.4), dbSNP rs376290986, ClinGen allele CA6297425.